The following is an entry in ClinVar:

ClinVar aggregate classification (germline): Uncertain significance (1 of 4 stars; one submission).

Conditions:
Global developmental delay with speech and behavioral abnormalities. Identifiers: MedGen C5543226, MONDO:0030995, OMIM 619243.

Submission:

Neuberg Centre For Genomic Medicine, NCGM
Classification: Uncertain significance for Global developmental delay with speech and behavioral abnormalities. Review status: criteria provided, single submitter. Criteria: ACMG Guidelines, 2015. Collection method: clinical testing. Allele origin: germline. Inheritance: Autosomal dominant inheritance. Affected: yes.
Comment: The missense variant c.688A>T (p.Thr230Ser) in the TNRC6B gene has not been reported previously as a pathogenic variant nor as a benign variant, to our knowledge. This variant is absent in the gnomAD Exomes. The amino acid Thr at position 230 is changed to a Ser changing protein sequence and it might alter its composition and physico-chemical properties. Computational evidence (Polyphen, SIFT and MutationTaster) predicts conflicting evidence on protein structure and function for this variant. For these reasons, this variant has been classified as Uncertain Significance.

NM_001162501.2(TNRC6B):c.688A>T (p.Thr230Ser)

Gene: TNRC6B (trinucleotide repeat containing adaptor 6B; plus strand). Cytogenetic location: 22q13.1.
Variant type: single nucleotide variant.
Coding change: c.688A>T on transcript NM_001162501.2 (MANE Select); coding-DNA position 688, A replaced by T.
Protein change: p.Thr230Ser; replaces threonine 230 with serine.
Molecular consequence: missense variant. On other transcripts: intron variant (1).
Genome position (GRCh38, 1-based): chr22:40,264,918, A>T. VCF-style: chr22-40264918-A-T. GRCh37 (hg19) VCF-style: chr22-40660922-A-T.
Other names: c.688A>T, p.Thr230Ser (NM_015088.3); c.565+2745A>T (NM_001024843.2); short protein forms T230S.
Identifiers: ClinVar variation 3731428 (VCV003731428.1).
Genomic context (GRCh38, chr22:40,264,918, plus strand): 5'-TCTTCTTCCGAAAACACCACCGATAACAACAGTGCCTCGAACCCTGGCTCTGAGAAGAGC[A>T]CTCTGCCAGGAAGCACCACTAGTAACAAAGGAAAAGGGAGCCAGTGCCAGTCTGCAAGTT-3'
Protein context (NP_001155973.1, residues 220-240): SASNPGSEKS[Thr230Ser]LPGSTTSNKG